The following is an entry in ClinVar:

NM_005188.4(CBL):c.2434+5G>A

Gene: CBL (Cbl proto-oncogene; plus strand). Cytogenetic location: 11q23.3.
Variant type: single nucleotide variant.
Coding change: c.2434+5G>A on transcript NM_005188.4 (MANE Select); 5 bases into the intron after coding-DNA position 2434, G replaced by A.
Molecular consequence: intron variant.
Genome position (GRCh38, 1-based): chr11:119,298,545, G>A. VCF-style: chr11-119298545-G-A. GRCh37 (hg19) VCF-style: chr11-119169255-G-A.
Identifiers: ClinVar variation 2633276 (VCV002633276.1), dbSNP rs2135321344, ClinGen allele CA2616388463.

ClinVar aggregate classification (germline): Uncertain significance (1 of 4 stars; one submission).

Conditions:
CBL-related disorder. Also called: NOONAN SYNDROME-LIKE DISORDER WITHOUT JUVENILE MYELOMONOCYTIC LEUKEMIA; CBL MUTATION-ASSOCIATED SYNDROME; CBL SYNDROME. Identifiers: Orphanet 363972, MedGen C3150803, MONDO:0013308, OMIM 613563.

Allele frequency attached by ClinVar (database versions not stated): gnomAD exomes below 0.00001.
gnomAD v4.1: 1 of 1,613,776 alleles (0.000062%); highest among the groups gnomAD compares: Non-Finnish European, 0.000085%; no homozygotes.

Submission:

PreventionGenetics, part of Exact Sciences
Classification: Uncertain significance for CBL-related condition. Last evaluated: 2023-05-21. Review status: criteria provided, single submitter. Criteria: ACMG Guidelines, 2015. Collection method: clinical testing. Allele origin: germline.
Comment: The CBL c.2434+5G>A variant is predicted to interfere with splicing. This variant is predicted to alter splicing based on available splicing prediction programs (Alamut Visual Plus v1.6.1). However, the use of computer prediction programs is not equivalent to functional evidence. To our knowledge, this variant has not been reported in the literature or in a large population database, indicating this variant is rare. At this time, the clinical significance of this variant is uncertain due to the absence of conclusive functional and genetic evidence.